The following is an entry in ClinVar:

ClinVar aggregate classification (germline): Likely benign. Review status: criteria provided, multiple submitters, no conflicts (2 of 4 stars). 2 submissions from 2 submitters: Likely benign (2). Last evaluated 2018-01-12.

Conditions:
Immunodeficiency due to CD25 deficiency. Also called: CD25 DEFICIENCY; IL2RA DEFICIENCY; IMMUNODEFICIENCY 41 WITH LYMPHOPROLIFERATION AND AUTOIMMUNITY. Identifiers: Orphanet 169100, MedGen C1853392, MONDO:0011664, OMIM 606367.

Allele frequency attached by ClinVar (database versions not stated): 1000 Genomes Project 0.00359; 1000 Genomes Project 30x 0.00390; TOPMed 0.00562; gnomAD exomes 0.00671; gnomAD 0.00729 and 0.00754.
gnomAD v4.1: 1,103 of 152,628 alleles (0.72%); highest among the groups gnomAD compares: Non-Finnish European, 0.82%; 8 homozygotes.

Submissions (2):

Illumina Laboratory Services, Illumina
Classification: Likely benign for Immunodeficiency due to CD25 deficiency. Last evaluated: 2018-01-12. Review status: criteria provided, single submitter. Criteria: ICSL Variant Classification Criteria 13 December 2019. Collection method: clinical testing. Allele origin: germline.
Comment: This variant was observed in the ICSL laboratory as part of a predisposition screen in an ostensibly healthy population. It had not been previously curated by ICSL or reported in the Human Gene Mutation Database (HGMD: prior to June 1st, 2018), and was therefore a candidate for classification through an automated scoring system. Utilizing variant allele frequency, disease prevalence and penetrance estimates, and inheritance mode, an automated score was calculated to assess if this variant is too frequent to cause the disease. Based on the score and internal cut-off values, a variant classified as likely benign is not then subjected to further curation. The score for this variant resulted in a classification of likely benign for this disease.

Breakthrough Genomics
Classification: Likely benign. Review status: criteria provided, single submitter. Criteria: ACMG Guidelines, 2015. Collection method: not provided. Allele origin: germline. Inheritance: Autosomal recessive inheritance. Affected: yes.

NM_000417.3(IL2RA):c.*752A>G

Gene: IL2RA (interleukin 2 receptor subunit alpha; minus strand). Cytogenetic location: 10p15.1.
Variant type: single nucleotide variant.
Coding change: c.*752A>G on transcript NM_000417.3 (MANE Select); 752 bases downstream of the stop codon, A replaced by G.
Molecular consequence: 3 prime UTR variant.
Genome position (GRCh38, 1-based): chr10:6,012,120, T>C on the plus strand (A>G on the coding strand, the complement: IL2RA is on the minus strand). VCF-style: chr10-6012120-T-C. GRCh37 (hg19) VCF-style: chr10-6054083-T-C.
Other names: c.*752A>G (NM_001308242.2, NM_001308243.2).
Identifiers: ClinVar variation 879155 (VCV000879155.5), dbSNP rs41290329, ClinGen allele CA202288359.
Genomic context (GRCh38, chr10:6,012,120, plus strand): 5'-TAGCAATCCCAAAGAAACTAACTCTTAAAGAGGCCAATTAGTAACGCACAGGTAAAACTT[T>C]GCTAAGTATGATTCTCTGCCTGGGACCTCATTCATCCTTCTGTTCCTGACATTGCCTCAT-3'